The following is an entry in ClinVar:

ClinVar aggregate classification (germline): Uncertain significance (1 of 4 stars; one submission).

Conditions:
Hypertrophic cardiomyopathy. Also called: HYPERTROPHIC MYOCARDIOPATHY. Identifiers: Orphanet 217569, MedGen C0007194, MeSH D002312, MONDO:0005045, HP:0001639.

Submission:

Labcorp Genetics (formerly Invitae), Labcorp
Classification: Uncertain significance for Hypertrophic cardiomyopathy. Last evaluated: 2024-09-16. Review status: criteria provided, single submitter. Criteria: Invitae Variant Classification Sherloc (09022015). Collection method: clinical testing. Allele origin: germline.
Comment: This sequence change replaces serine, which is neutral and polar, with isoleucine, which is neutral and non-polar, at codon 1199 of the MYH7 protein (p.Ser1199Ile). This variant is not present in population databases (gnomAD no frequency). This variant has not been reported in the literature in individuals affected with MYH7-related conditions. Invitae Evidence Modeling of protein sequence and biophysical properties (such as structural, functional, and spatial information, amino acid conservation, physicochemical variation, residue mobility, and thermodynamic stability) indicates that this missense variant is expected to disrupt MYH7 protein function with a positive predictive value of 95%. In summary, the available evidence is currently insufficient to determine the role of this variant in disease. Therefore, it has been classified as a Variant of Uncertain Significance.

NM_000257.4(MYH7):c.3596G>T (p.Ser1199Ile)

Gene: MYH7 (myosin heavy chain 7; minus strand). Cytogenetic location: 14q11.2.
Variant type: single nucleotide variant.
Coding change: c.3596G>T on transcript NM_000257.4 (MANE Select); coding-DNA position 3596, G replaced by T.
Protein change: p.Ser1199Ile; replaces serine 1199 with isoleucine.
Molecular consequence: missense variant.
Genome position (GRCh38, 1-based): chr14:23,419,975, C>A on the plus strand (G>T on the coding strand, the complement: MYH7 is on the minus strand). VCF-style: chr14-23419975-C-A. GRCh37 (hg19) VCF-style: chr14-23889184-C-A.
Other names: c.3596G>T, p.Ser1199Ile (NM_001407004.1); short protein forms S1199I.
Identifiers: ClinVar variation 3636017 (VCV003636017.2).
Genomic context (GRCh38, chr14:23,419,975, plus strand): 5'-TTCTCCAGCTTCTGCTTCACCCGCTGCAGGTTGTCGATCTGCTCGCCCAGCTCGGCCACG[C>A]TGTCGGCGTGCTTCTTGCGCAGGGCCGCGGCAGTGGCCTCGTGCTGCAGCGTGGCCTCCT-3'
Protein context (NP_000248.2, residues 1189-1209): AAALRKKHAD[Ser1199Ile]VAELGEQIDN